The following is an entry in ClinVar:

NM_000322.5(PRPH2):c.829-4C>G

Gene: PRPH2 (peripherin 2; minus strand). Cytogenetic location: 6p21.1.
Variant type: single nucleotide variant.
Coding change: c.829-4C>G on transcript NM_000322.5 (MANE Select); 4 bases into the intron before coding-DNA position 829, C replaced by G.
Molecular consequence: intron variant.
Genome position (GRCh38, 1-based): chr6:42,698,511, G>C on the plus strand (C>G on the coding strand, the complement: PRPH2 is on the minus strand). VCF-style: chr6-42698511-G-C. GRCh37 (hg19) VCF-style: chr6-42666249-G-C.
Identifiers: ClinVar variation 802213 (VCV000802213.12), dbSNP rs1582759785, ClinGen allele CA915944250.

ClinVar aggregate classification (germline): Pathogenic. Review status: criteria provided, multiple submitters, no conflicts (2 of 4 stars). 4 submissions from 4 submitters: Pathogenic (3). 1 of the submissions does not count toward it. Last evaluated 2024-08-12.

Conditions:
Patterned macular dystrophy 1. Also called: MACULAR DYSTROPHY, BUTTERFLY-SHAPED PIGMENTARY; BUTTERFLY DYSTROPHY OF RETINAL PIGMENT EPITHELIUM. Identifiers: Orphanet 99001, MedGen C4551999, MONDO:0008210, OMIM 169150.
PRPH2-related disorder. Also called: PRPH2-related condition; PRPH2-related disorders. Identifiers: MedGen CN239395.

Submissions (4):

Labcorp Genetics (formerly Invitae), Labcorp
Classification: Pathogenic for PRPH2-related disorder. Last evaluated: 2024-08-12. Review status: criteria provided, single submitter. Criteria: Invitae Variant Classification Sherloc (09022015). Collection method: clinical testing. Allele origin: germline.
Comment: This sequence change falls in intron 2 of the PRPH2 gene. It does not directly change the encoded amino acid sequence of the PRPH2 protein. This variant is not present in population databases (gnomAD no frequency). This variant has been observed in individuals with autosomal dominant retinitis pigmentosa (PMID: 25447119). It has also been observed to segregate with disease in related individuals. ClinVar contains an entry for this variant (Variation ID: 802213). Algorithms developed to predict the effect of sequence changes on RNA splicing suggest that this variant may create or strengthen a splice site. For these reasons, this variant has been classified as Pathogenic.

Blueprint Genetics
Classification: Pathogenic for PRPH2-related disorders. Last evaluated: 2022-08-15. Review status: criteria provided, single submitter. Criteria: ACMG Guidelines, 2015. Collection method: clinical testing. Allele origin: germline. Affected: yes. Observed: 2 variant alleles.

Mendelics
Classification: Pathogenic for Patterned macular dystrophy 1. Last evaluated: 2019-05-28. Review status: criteria provided, single submitter. Criteria: Mendelics Assertion Criteria 2017. Collection method: clinical testing. Allele origin: unknown.

Leiden Open Variation Database
Classification: Uncertain significance. Last evaluated: 2021-04-06. Review status: no assertion criteria provided. Collection method: curation. Allele origin: germline. Affected: yes. Not counted in ClinVar's aggregate classification.
Comment: Curator: Global Variome, with Curator vacancy. Submitter to LOVD: Manon Peeters.

Literature cited by the submitters: PubMed 25447119 (cited by Labcorp Genetics (formerly Invitae), Labcorp and Leiden Open Variation Database).